The following is an entry in ClinVar:

NM_001160148.2(DDHD1):c.395dup (p.Gly133fs)

Gene: DDHD1 (DDHD domain containing 1; minus strand). Cytogenetic location: 14q22.1.
Variant type: Duplication.
Coding change: c.395dup on transcript NM_001160148.2 (MANE Select); coding-DNA position 395, one base duplicated (G; older notation c.395dupG).
Protein change: p.Gly133fs; shifts the reading frame from glycine 133.
Molecular consequence: frameshift variant.
Genome position (GRCh38, 1-based): chr14:53,152,704, C duplicated on the plus strand (G on the coding strand, the reverse complement: DDHD1 is on the minus strand); the first of 6 consecutive C bases (chr14:53,152,704-53,152,709); duplicating any one gives the same sequence. VCF-style (leftmost placement, unchanged base first): chr14-53152703-G-GC. GRCh37 (hg19) VCF-style: chr14-53619421-G-GC.
Other names: c.395dup, p.Gly133fs (NM_001160147.2, NM_030637.3); short protein forms G133fs.
Identifiers: ClinVar variation 989057 (VCV000989057.9), dbSNP rs748385953, ClinGen allele CA7191502.

ClinVar aggregate classification (germline): Pathogenic. Review status: criteria provided, multiple submitters, no conflicts (2 of 4 stars). 2 submissions from 2 submitters: Pathogenic (2). Last evaluated 2025-05-22.

Conditions:
Hereditary spastic paraplegia 28. Also called: Spastic paraplegia 28, autosomal recessive. Identifiers: Orphanet 101008, MedGen C1836295, MONDO:0012256, OMIM 609340.

Submissions (2):

Labcorp Genetics (formerly Invitae), Labcorp
Classification: Pathogenic for Hereditary spastic paraplegia 28. Last evaluated: 2025-05-22. Review status: criteria provided, single submitter. Criteria: Invitae Variant Classification Sherloc (09022015). Collection method: clinical testing. Allele origin: germline.
Comment: This sequence change creates a premature translational stop signal (p.Gly133Argfs*26) in the DDHD1 gene. It is expected to result in an absent or disrupted protein product. Loss-of-function variants in DDHD1 are known to be pathogenic (PMID: 23176821, 24989667, 26944165, 27216551). This variant is not present in population databases (gnomAD no frequency). This premature translational stop signal has been observed in individual(s) with hereditary spastic paraplegia (PMID: 28818478). ClinVar contains an entry for this variant (Variation ID: 989057). For these reasons, this variant has been classified as Pathogenic.

Paris Brain Institute, Inserm - ICM
Classification: Pathogenic for Hereditary spastic paraplegia 28. Review status: criteria provided, single submitter. Criteria: ACMG Guidelines, 2015. Collection method: clinical testing. Allele origin: unknown. Affected: yes. Observed: 4 variant alleles.

Literature cited by the submitters: PubMed 23176821 (cited by Labcorp Genetics (formerly Invitae), Labcorp); PubMed 24989667 (cited by Labcorp Genetics (formerly Invitae), Labcorp); PubMed 26944165 (cited by Labcorp Genetics (formerly Invitae), Labcorp); PubMed 27216551 (cited by Labcorp Genetics (formerly Invitae), Labcorp); PubMed 28818478 (cited by Labcorp Genetics (formerly Invitae), Labcorp).